The following is an entry in ClinVar:

NM_003322.6(TULP1):c.1259G>A (p.Arg420His)

Gene: TULP1 (TUB like protein 1; minus strand). Cytogenetic location: 6p21.31.
Variant type: single nucleotide variant.
Coding change: c.1259G>A on transcript NM_003322.6 (MANE Select); coding-DNA position 1259, G replaced by A.
Protein change: p.Arg420His; replaces arginine 420 with histidine.
Molecular consequence: missense variant.
Genome position (GRCh38, 1-based): chr6:35,503,623, C>T on the plus strand (G>A on the coding strand, the complement: TULP1 is on the minus strand). VCF-style: chr6-35503623-C-T. GRCh37 (hg19) VCF-style: chr6-35471400-C-T.
Other names: c.1100G>A, p.Arg367His (NM_001289395.2); short protein forms R420H, R367H.
Identifiers: ClinVar variation 598119 (VCV000598119.11), dbSNP rs121909073, ClinGen allele CA363779162.

ClinVar aggregate classification (germline): Uncertain significance. Review status: criteria provided, multiple submitters, no conflicts (2 of 4 stars). 2 submissions from 2 submitters: Uncertain significance (2). Last evaluated 2023-08-10.

gnomAD v4.1: 6 of 1,598,496 alleles (0.00038%); highest among the groups gnomAD compares: South Asian, 0.0011%; no homozygotes.

Submissions (2):

Labcorp Genetics (formerly Invitae), Labcorp
Classification: Uncertain significance. Last evaluated: 2023-08-10. Review status: criteria provided, single submitter. Criteria: Invitae Variant Classification Sherloc (09022015). Collection method: clinical testing. Allele origin: germline.
Comment: Advanced modeling of protein sequence and biophysical properties (such as structural, functional, and spatial information, amino acid conservation, physicochemical variation, residue mobility, and thermodynamic stability) performed at Invitae indicates that this missense variant is expected to disrupt TULP1 protein function. In summary, the available evidence is currently insufficient to determine the role of this variant in disease. Therefore, it has been classified as a Variant of Uncertain Significance. This variant disrupts the p.Arg420 amino acid residue in TULP1. Other variant(s) that disrupt this residue have been determined to be pathogenic (PMID: 23499059, 23591405, 32531858). This suggests that this residue is clinically significant, and that variants that disrupt this residue are likely to be disease-causing. ClinVar contains an entry for this variant (Variation ID: 598119). This variant has not been reported in the literature in individuals affected with TULP1-related conditions. This variant is not present in population databases (gnomAD no frequency). This sequence change replaces arginine with histidine at codon 420 of the TULP1 protein (p.Arg420His). The arginine residue is moderately conserved and there is a small physicochemical difference between arginine and histidine.

Eurofins Ntd Llc (ga)
Classification: Uncertain significance. Last evaluated: 2018-07-27. Review status: criteria provided, single submitter. Criteria: EGL ClinVar v180209 classification definitions. Collection method: clinical testing. Allele origin: germline. Observed: 1 variant allele, 1 heterozygote.

Literature cited by the submitters: PubMed 23499059 (cited by Labcorp Genetics (formerly Invitae), Labcorp); PubMed 23591405 (cited by Labcorp Genetics (formerly Invitae), Labcorp); PubMed 32531858 (cited by Labcorp Genetics (formerly Invitae), Labcorp).